The following is an entry in ClinVar:

ClinVar aggregate classification (germline): Pathogenic (1 of 4 stars; one submission).

Conditions:
Ehlers-Danlos syndrome, dermatosparaxis type. Also called: EDS VIIC; Dermatosparaxis; Ehlers-Danlos syndrome, type VII, autosomal recessive. Identifiers: Orphanet 1901, MedGen C2700425, MONDO:0009161, OMIM 225410.

Submission:

Myriad Genetics, Inc.
Classification: Pathogenic for Ehlers-Danlos syndrome, dermatosparaxis type. Last evaluated: 2024-05-14. Review status: criteria provided, single submitter. Criteria: Myriad Autosomal Dominant, Autosomal Recessive and X-Linked Classification Criteria (2023). Collection method: clinical testing. Allele origin: unknown.
Comment: NM_014244.4(ADAMTS2):c.102_103ins7(A35Tfs*33) is expected to be pathogenic in the context of Ehlers-Danlos syndrome, ADAMTS2-related. This variant is predicted to lead to an abnormal or absent protein product due to the creation of a premature termination codon in ADAMTS2, a gene where loss-of-function variants are known to be pathogenic. Please note: this variant was assessed in the context of healthy population screening.

NM_014244.5(ADAMTS2):c.102_103insACAGATG (p.Ala35fs)

Gene: ADAMTS2 (ADAM metallopeptidase with thrombospondin type 1 motif 2; minus strand). Cytogenetic location: 5q35.3.
Variant type: Insertion.
Coding change: c.102_103insACAGATG on transcript NM_014244.5 (MANE Select); coding-DNA positions 102 to 103, ACAGATG inserted.
Protein change: p.Ala35fs; shifts the reading frame from alanine 35.
Molecular consequence: frameshift variant.
Genome position: GRCh38 VCF-style: chr5-179345226-C-CCATCTGT. GRCh37 (hg19) VCF-style: chr5-178772227-C-CCATCTGT.
Other names: c.102_103insACAGATG, p.Ala35fs (NM_021599.4); short protein forms A35fs.
Identifiers: ClinVar variation 5010649 (VCV005010649.1).